The following is an entry in ClinVar:

ClinVar aggregate classification (germline): Pathogenic (1 of 4 stars; one submission).

Conditions:
Inborn genetic diseases. Identifiers: MedGen C0950123, MeSH D030342.

Submission:

Ambry Genetics
Classification: Pathogenic for Inborn genetic diseases. Last evaluated: 2024-02-12. Review status: criteria provided, single submitter. Criteria: Ambry Variant Classification Scheme 2023. Collection method: clinical testing. Allele origin: germline.
Comment: The c.14318delT (p.V4773Gfs*37) alteration, located in exon 55 (coding exon 55) of the KMT2C gene, consists of a deletion of one nucleotide at position 14318, causing a translational frameshift with a predicted alternate stop codon after 37 amino acids. This alteration is expected to result in loss of function by premature protein truncation or nonsense-mediated mRNA decay. This variant was not reported in population-based cohorts in the Genome Aggregation Database (gnomAD). Based on the available evidence, this alteration is classified as pathogenic.

NM_170606.3(KMT2C):c.14318del (p.Val4773fs)

Gene: KMT2C (lysine methyltransferase 2C; minus strand). Cytogenetic location: 7q36.1.
Variant type: Deletion.
Coding change: c.14318del on transcript NM_170606.3 (MANE Select); coding-DNA position 14318, one base deleted (T; older notation c.14318delT).
Protein change: p.Val4773fs; shifts the reading frame from valine 4773.
Molecular consequence: frameshift variant.
Genome position (GRCh38, 1-based): chr7:152,144,738, A deleted on the plus strand (T on the coding strand, the reverse complement: KMT2C is on the minus strand). VCF-style (leftmost placement, unchanged base first): chr7-152144737-CA-C. GRCh37 (hg19) VCF-style: chr7-151841822-CA-C.
Other names: short protein forms V4773fs.
Identifiers: ClinVar variation 3116016 (VCV003116016.1), dbSNP rs2487573703, ClinGen allele CA2825001564.